The following is an entry in ClinVar:

ClinVar aggregate classification (germline): Pathogenic (1 of 4 stars; one submission).

Submission:

Labcorp Genetics (formerly Invitae), Labcorp
Classification: Pathogenic. Last evaluated: 2023-03-11. Review status: criteria provided, single submitter. Criteria: Invitae Variant Classification Sherloc (09022015). Collection method: clinical testing. Allele origin: germline.
Comment: For these reasons, this variant has been classified as Pathogenic. This variant has not been reported in the literature in individuals affected with LRP2-related conditions. This variant is not present in population databases (gnomAD no frequency). This sequence change creates a premature translational stop signal (p.Tyr2520*) in the LRP2 gene. It is expected to result in an absent or disrupted protein product. Loss-of-function variants in LRP2 are known to be pathogenic (PMID: 17632512, 25682901).

Literature cited by the submitters: PubMed 17632512; PubMed 25682901.

NM_004525.3(LRP2):c.7560C>A (p.Tyr2520Ter)

Gene: LRP2 (LDL receptor related protein 2; minus strand). Cytogenetic location: 2q31.1.
Variant type: single nucleotide variant.
Coding change: c.7560C>A on transcript NM_004525.3 (MANE Select); coding-DNA position 7560, C replaced by A.
Protein change: p.Tyr2520Ter; replaces tyrosine 2520 with a stop codon.
Molecular consequence: nonsense.
Genome position (GRCh38, 1-based): chr2:169,205,634, G>T on the plus strand (C>A on the coding strand, the complement: LRP2 is on the minus strand). VCF-style: chr2-169205634-G-T. GRCh37 (hg19) VCF-style: chr2-170062144-G-T.
Other names: short protein forms Y2520*.
Identifiers: ClinVar variation 2844892 (VCV002844892.3), dbSNP rs2545805187, ClinGen allele CA349169640.
Genomic context (GRCh38, chr2:169,205,634, plus strand): 5'-GTTTCCTCCCAATGTGGCTCTCTCGATTTTGGCATGTGTATCCCAGTCAGCCCAGTACAG[G>T]TACCTAGTCATACAAAAGGAGTCAATAATTAATTCACAGGGAACCTCATAGTCCTTTAAA-3'